The following is an entry in ClinVar:

ClinVar aggregate classification (germline): Uncertain significance (1 of 4 stars; one submission).

Submission:

Labcorp Genetics (formerly Invitae), Labcorp
Classification: Uncertain significance. Last evaluated: 2025-11-25. Review status: criteria provided, single submitter. Criteria: Invitae Variant Classification Sherloc (09022015). Collection method: clinical testing. Allele origin: germline.
Comment: This sequence change affects codon 620 of the HYOU1 mRNA. It is a 'silent' change, meaning that it does not change the encoded amino acid sequence of the HYOU1 protein. This variant is not present in population databases (gnomAD no frequency). This variant has not been reported in the literature in individuals affected with HYOU1-related conditions. Algorithms developed to predict the effect of sequence changes on RNA splicing suggest that this variant may create or strengthen a splice site. In summary, the available evidence is currently insufficient to determine the role of this variant in disease. Therefore, it has been classified as a Variant of Uncertain Significance.

NM_006389.5(HYOU1):c.1860G>A (p.Val620=)

Gene: HYOU1 (hypoxia up-regulated 1; minus strand). Cytogenetic location: 11q23.3.
Variant type: single nucleotide variant.
Coding change: c.1860G>A on transcript NM_006389.5 (MANE Select); coding-DNA position 1860, G replaced by A.
Protein change: p.Val620=; no amino-acid change (valine 620 retained).
Molecular consequence: synonymous variant.
Genome position (GRCh38, 1-based): chr11:119,049,150, C>T on the plus strand (G>A on the coding strand, the complement: HYOU1 is on the minus strand). VCF-style: chr11-119049150-C-T. GRCh37 (hg19) VCF-style: chr11-118919862-C-T.
Other names: c.1860G>A, p.Val620= (NM_001130991.3, NM_001411041.1).
Identifiers: ClinVar variation 4731968 (VCV004731968.1).